The following is an entry in ClinVar:

ClinVar aggregate classification (germline): Uncertain significance (1 of 4 stars; one submission).

Conditions:
Familial focal epilepsy with variable foci (FPEVF). Identifiers: Orphanet 98820, MedGen C1858477, MONDO:0020310.

Submission:

Labcorp Genetics (formerly Invitae), Labcorp
Classification: Uncertain significance for Familial focal epilepsy with variable foci. Last evaluated: 2025-04-24. Review status: criteria provided, single submitter. Criteria: Invitae Variant Classification Sherloc (09022015). Collection method: clinical testing. Allele origin: germline.
Comment: This sequence change replaces threonine, which is neutral and polar, with lysine, which is basic and polar, at codon 1262 of the DEPDC5 protein (p.Thr1262Lys). This variant is not present in population databases (gnomAD no frequency). This variant has not been reported in the literature in individuals affected with DEPDC5-related conditions. Experimental studies and prediction algorithms are not available or were not evaluated, and the functional significance of this variant is currently unknown. In summary, the available evidence is currently insufficient to determine the role of this variant in disease. Therefore, it has been classified as a Variant of Uncertain Significance.

NM_001242896.3(DEPDC5):c.3785C>A (p.Thr1262Lys)

Gene: DEPDC5 (DEP domain containing 5, GATOR1 subcomplex subunit; plus strand). Cytogenetic location: 22q12.3.
Variant type: single nucleotide variant.
Coding change: c.3785C>A on transcript NM_001242896.3 (MANE Select); coding-DNA position 3785, C replaced by A.
Protein change: p.Thr1262Lys; replaces threonine 1262 with lysine.
Molecular consequence: missense variant. On other transcripts: non-coding transcript variant (2).
Genome position (GRCh38, 1-based): chr22:31,876,245, C>A. VCF-style: chr22-31876245-C-A. GRCh37 (hg19) VCF-style: chr22-32272231-C-A.
Other names: c.3485C>A, p.Thr1162Lys (NM_001242897.2); c.3719C>A, p.Thr1240Lys (NM_001363852.2, NM_001364320.2); c.3551C>A, p.Thr1184Lys (NM_001363854.2, NM_001364319.2); c.3785C>A, p.Thr1262Lys (NM_001364318.2); c.3701C>A, p.Thr1234Lys (NM_001369901.1, NM_001369902.1); c.3692C>A, p.Thr1231Lys (NM_001369903.1, NM_014662.6); c.3758C>A, p.Thr1253Lys (NM_001136029.4); short protein forms T1231K, T1162K, T1184K, T1234K, T1240K, T1253K, T1262K.
Identifiers: ClinVar variation 4768979 (VCV004768979.1).